The following is an entry in ClinVar:

NM_002655.3(PLAG1):c.1370C>G (p.Pro457Arg)

Gene: PLAG1 (PLAG1 zinc finger; minus strand). Cytogenetic location: 8q12.1.
Variant type: single nucleotide variant.
Coding change: c.1370C>G on transcript NM_002655.3 (MANE Select); coding-DNA position 1370, C replaced by G.
Protein change: p.Pro457Arg; replaces proline 457 with arginine.
Molecular consequence: missense variant.
Genome position (GRCh38, 1-based): chr8:56,166,376, G>C on the plus strand (C>G on the coding strand, the complement: PLAG1 is on the minus strand). VCF-style: chr8-56166376-G-C. GRCh37 (hg19) VCF-style: chr8-57078935-G-C.
Other names: c.1370C>G, p.Pro457Arg (NM_001114634.2); c.1124C>G, p.Pro375Arg (NM_001114635.2); short protein forms P375R, P457R.
Identifiers: ClinVar variation 5020621 (VCV005020621.1).

ClinVar aggregate classification (germline): Uncertain significance (1 of 4 stars; one submission).

Submission:

Dasa
Classification: Uncertain significance. Last evaluated: 2026-05-04. Review status: criteria provided, single submitter. Criteria: DASA Assertion Criteria. Collection method: clinical testing. Allele origin: germline.
Comment: NM_002655.3(PLAG1):c.1370C>G (p.Pro457Arg) is a missense variant that results in the substitution of proline with arginine. This variant is rare in population databases. The currently available literature and clinical evidence are not sufficient to establish a definitive association between this variant and the reported condition. Therefore, this variant is classified as a variant of uncertain significance.